The following is an entry in ClinVar:

ClinVar aggregate classification (germline): Uncertain significance (1 of 4 stars; one submission).

Conditions:
Carnitine palmitoyl transferase 1A deficiency. Also called: CPT I DEFICIENCY; CPT DEFICIENCY, HEPATIC, TYPE I; Carnitine palmitoyltransferase type I deficiency; CPT deficiency, hepatic, type IA; Carnitine palmitoyltransferase 1A deficiency. Identifiers: Orphanet 156, MedGen C1829703, MONDO:0009705, OMIM 255120.

Submission:

Labcorp Genetics (formerly Invitae), Labcorp
Classification: Uncertain significance for Carnitine palmitoyl transferase 1A deficiency. Last evaluated: 2022-03-19. Review status: criteria provided, single submitter. Criteria: Invitae Variant Classification Sherloc (09022015). Collection method: clinical testing. Allele origin: germline.
Comment: In summary, the available evidence is currently insufficient to determine the role of this variant in disease. Therefore, it has been classified as a Variant of Uncertain Significance. Algorithms developed to predict the effect of missense changes on protein structure and function (SIFT, PolyPhen-2, Align-GVGD) all suggest that this variant is likely to be tolerated. This sequence change replaces threonine, which is neutral and polar, with asparagine, which is neutral and polar, at codon 532 of the CPT1A protein (p.Thr532Asn). This variant is not present in population databases (gnomAD no frequency). This variant has not been reported in the literature in individuals affected with CPT1A-related conditions.

NM_001876.4(CPT1A):c.1595C>A (p.Thr532Asn)

Gene: CPT1A (carnitine palmitoyltransferase 1A; minus strand). Cytogenetic location: 11q13.3.
Variant type: single nucleotide variant.
Coding change: c.1595C>A on transcript NM_001876.4 (MANE Select); coding-DNA position 1595, C replaced by A.
Protein change: p.Thr532Asn; replaces threonine 532 with asparagine.
Molecular consequence: missense variant.
Genome position (GRCh38, 1-based): chr11:68,773,410, G>T on the plus strand (C>A on the coding strand, the complement: CPT1A is on the minus strand). VCF-style: chr11-68773410-G-T. GRCh37 (hg19) VCF-style: chr11-68540878-G-T.
Other names: c.1595C>A, p.Thr532Asn (NM_001031847.3); short protein forms T532N.
Identifiers: ClinVar variation 2100259 (VCV002100259.4), dbSNP rs1566349079, ClinGen allele CA381629201.